The following is an entry in ClinVar:

ClinVar aggregate classification (germline): Pathogenic (1 of 4 stars; one submission).

Submission:

Labcorp Genetics (formerly Invitae), Labcorp
Classification: Pathogenic. Last evaluated: 2025-09-02. Review status: criteria provided, single submitter. Criteria: Invitae Variant Classification Sherloc (09022015). Collection method: clinical testing. Allele origin: germline.
Comment: This sequence change is expected to alter the c-terminus of the OPA1 protein (p.Lys926Asnfs*42). While this is not anticipated to result in nonsense mediated decay, it is expected to disrupt the last 35 amino acids of the OPA1 protein and extend the protein by 7 additional amino acid residues. This variant is not present in population databases (gnomAD no frequency). This variant has not been reported in the literature in individuals affected with OPA1-related conditions. ClinVar contains an entry for this variant (Variation ID: 1367893). This variant results in an extension of the OPA1 protein. Other variant(s) that result in a similarly extended protein product (p.Val942Glufs*25) have been determined to be pathogenic (PMID: 11017079). This suggests that these extensions are likely to be disease-causing. For these reasons, this variant has been classified as Pathogenic.

Literature cited by the submitters: PubMed 11017079.

NM_130837.3(OPA1):c.2940del (p.Lys981fs)

Gene: OPA1 (OPA1 mitochondrial dynamin like GTPase; plus strand). Cytogenetic location: 3q29.
Variant type: Deletion.
Coding change: c.2940del on transcript NM_130837.3 (MANE Select); coding-DNA position 2940, one base deleted (T; older notation c.2940delT).
Protein change: p.Lys981fs; shifts the reading frame from lysine 981.
Molecular consequence: frameshift variant.
Genome position (GRCh38, 1-based): chr3:193,667,237, T deleted; the last of 2 consecutive T bases (chr3:193,667,236-193,667,237); deleting either gives the same sequence. VCF-style (leftmost placement, unchanged base first): chr3-193667235-AT-A. GRCh37 (hg19) VCF-style: chr3-193385024-AT-A.
Other names: c.2406del, p.Lys803fs (NM_001354663.2); c.2403del, p.Lys802fs (NM_001354664.2); c.2775del, p.Lys926fs (NM_015560.3); c.2667del, p.Lys890fs (NM_130831.3); c.2721del, p.Lys908fs (NM_130832.3); c.2778del, p.Lys927fs (NM_130833.3); c.2829del, p.Lys944fs (NM_130834.3); c.2832del, p.Lys945fs (NM_130835.3); and 1 more; short protein forms K802fs, K890fs, K944fs, K945fs, K908fs, K803fs, K926fs, K927fs.
Identifiers: ClinVar variation 1367893 (VCV001367893.6), dbSNP rs2109277786, ClinGen allele CA2573136895.
Genomic context (GRCh38, chr3:193,667,235, plus strand): 5'-CGATTAGAGAAAAATGTTAAAGAGGTATTGGAAGATTTTGCTGAAGATGGTGAGAAGAAG[AT>A]TAAATTGCTTACTGGTAAACGCGTTCAACTGGCGGAAGACCTCAGTGAGTAGTTCTTACT-3'